The following is an entry in ClinVar:

NM_152383.5(DIS3L2):c.458A>T (p.Gln153Leu)

Gene: DIS3L2 (DIS3 like 3'-5' exoribonuclease 2; plus strand). Cytogenetic location: 2q37.1.
Variant type: single nucleotide variant.
Coding change: c.458A>T on transcript NM_152383.5 (MANE Select); coding-DNA position 458, A replaced by T.
Protein change: p.Gln153Leu; replaces glutamine 153 with leucine.
Molecular consequence: missense variant. On other transcripts: non-coding transcript variant (2).
Genome position (GRCh38, 1-based): chr2:232,087,578, A>T. VCF-style: chr2-232087578-A-T. GRCh37 (hg19) VCF-style: chr2-232952288-A-T.
Other names: c.458A>T, p.Gln153Leu (NM_001257281.2, NM_001257282.2); short protein forms Q153L.
Identifiers: ClinVar variation 2163721 (VCV002163721.4), dbSNP rs1490327109, ClinGen allele CA351155016.

ClinVar aggregate classification (germline): Uncertain significance (1 of 4 stars; one submission).

Conditions:
Perlman syndrome (PRLMNS). Identifiers: Orphanet 2849, MedGen C0796113, MONDO:0009965, OMIM 267000.

Allele frequency attached by ClinVar (database versions not stated): gnomAD 0.00001.

Submission:

Labcorp Genetics (formerly Invitae), Labcorp
Classification: Uncertain significance for Perlman syndrome. Last evaluated: 2022-06-07. Review status: criteria provided, single submitter. Criteria: Invitae Variant Classification Sherloc (09022015). Collection method: clinical testing. Allele origin: germline.
Comment: Algorithms developed to predict the effect of missense changes on protein structure and function output the following: SIFT: "Tolerated"; PolyPhen-2: "Benign"; Align-GVGD: "Class C0". The leucine amino acid residue is found in multiple mammalian species, which suggests that this missense change does not adversely affect protein function. In summary, the available evidence is currently insufficient to determine the role of this variant in disease. Therefore, it has been classified as a Variant of Uncertain Significance. This variant has not been reported in the literature in individuals affected with DIS3L2-related conditions. This sequence change replaces glutamine, which is neutral and polar, with leucine, which is neutral and non-polar, at codon 153 of the DIS3L2 protein (p.Gln153Leu). This variant is present in population databases (no rsID available, gnomAD 0.007%).